The following is an entry in ClinVar:

ClinVar aggregate classification (germline): Uncertain significance (1 of 4 stars; one submission).

Conditions:
CACNA1I-related disorder. Also called: CACNA1I-related condition.

Submission:

PreventionGenetics, part of Exact Sciences
Classification: Uncertain significance for CACNA1I-related condition. Last evaluated: 2025-12-07. Review status: criteria provided, single submitter. Criteria: ACMG Guidelines, 2015. Collection method: clinical testing. Allele origin: germline.
Comment: The CACNA1I c.3538A>G variant is predicted to result in the amino acid substitution p.Ile1180Val. To our knowledge, this variant has not been reported in the literature or in a large population database (gnomAD), indicating this variant is rare. At this time, the clinical significance of this variant is uncertain due to the absence of conclusive functional and genetic evidence.

NM_021096.4(CACNA1I):c.3538A>G (p.Ile1180Val)

Gene: CACNA1I (calcium voltage-gated channel subunit alpha1 I; plus strand). Cytogenetic location: 22q13.1.
Variant type: single nucleotide variant.
Coding change: c.3538A>G on transcript NM_021096.4 (MANE Select); coding-DNA position 3538, A replaced by G.
Protein change: p.Ile1180Val; replaces isoleucine 1180 with valine.
Molecular consequence: missense variant.
Genome position (GRCh38, 1-based): chr22:39,663,782, A>G. VCF-style: chr22-39663782-A-G. GRCh37 (hg19) VCF-style: chr22-40059787-A-G.
Other names: c.3433A>G, p.Ile1145Val (NM_001003406.2); short protein forms I1145V, I1180V.
Identifiers: ClinVar variation 4983835 (VCV004983835.1).